The following is an entry in ClinVar:

ClinVar aggregate classification (germline): Uncertain significance. Review status: criteria provided, multiple submitters, no conflicts (2 of 4 stars). 3 submissions from 3 submitters: Uncertain significance (3). Last evaluated 2025-10-27.

Conditions:
Inborn genetic diseases. Identifiers: MedGen C0950123, MeSH D030342.

Allele frequency attached by ClinVar (database versions not stated): gnomAD exomes 0.00002; gnomAD 0.00003 and 0.00004; TOPMed 0.00004.
gnomAD v4.1: 32 of 1,614,032 alleles (0.002%); highest among the groups gnomAD compares: Non-Finnish European, 0.0026%; no homozygotes.

Submissions (3):

Labcorp Genetics (formerly Invitae), Labcorp
Classification: Uncertain significance. Last evaluated: 2025-10-27. Review status: criteria provided, single submitter. Criteria: Invitae Variant Classification Sherloc (09022015). Collection method: clinical testing. Allele origin: germline.
Comment: This sequence change replaces leucine, which is neutral and non-polar, with valine, which is neutral and non-polar, at codon 60 of the RIPK1 protein (p.Leu60Val). This variant is present in population databases (rs780924080, gnomAD 0.004%). This variant has not been reported in the literature in individuals affected with RIPK1-related conditions. ClinVar contains an entry for this variant (Variation ID: 1524172). An algorithm developed to predict the effect of missense changes on protein structure and function (PolyPhen-2) suggests that this variant is likely to be disruptive. In summary, the available evidence is currently insufficient to determine the role of this variant in disease. Therefore, it has been classified as a Variant of Uncertain Significance.

Blueprint Genetics
Classification: Uncertain significance. Last evaluated: 2024-09-16. Review status: criteria provided, single submitter. Criteria: ACMG Guidelines, 2015. Collection method: clinical testing. Allele origin: germline.

Ambry Genetics
Classification: Uncertain significance for Inborn genetic diseases. Last evaluated: 2021-08-12. Review status: criteria provided, single submitter. Criteria: Ambry Variant Classification Scheme 2023. Collection method: clinical testing. Allele origin: germline.

NM_001354930.2(RIPK1):c.178C>G (p.Leu60Val)

Gene: RIPK1 (receptor interacting serine/threonine kinase 1; plus strand). Cytogenetic location: 6p25.2.
Variant type: single nucleotide variant.
Coding change: c.178C>G on transcript NM_001354930.2 (MANE Select); coding-DNA position 178, C replaced by G.
Protein change: p.Leu60Val; replaces leucine 60 with valine.
Molecular consequence: missense variant. On other transcripts: 5 prime UTR variant (4).
Genome position (GRCh38, 1-based): chr6:3,077,792, C>G. VCF-style: chr6-3077792-C-G. GRCh37 (hg19) VCF-style: chr6-3078026-C-G.
Other names: c.178C>G (NM_003804.3); c.-426C>G (NM_001317061.3, NM_001354932.2, NM_001354933.2 and 1 more transcripts); c.178C>G, p.Leu60Val (NM_001354931.2, NM_003804.6); short protein forms L60V.
Identifiers: ClinVar variation 1524172 (VCV001524172.10), dbSNP rs780924080, ClinGen allele CA3618109.